The following is an entry in ClinVar:

NM_213599.3(ANO5):c.1079G>T (p.Cys360Phe)

Gene: ANO5 (anoctamin 5; plus strand). Cytogenetic location: 11p14.3.
Variant type: single nucleotide variant.
Coding change: c.1079G>T on transcript NM_213599.3 (MANE Select); coding-DNA position 1079, G replaced by T.
Protein change: p.Cys360Phe; replaces cysteine 360 with phenylalanine.
Molecular consequence: missense variant.
Genome position (GRCh38, 1-based): chr11:22,250,806, G>T. VCF-style: chr11-22250806-G-T. GRCh37 (hg19) VCF-style: chr11-22272352-G-T.
Other names: c.1076G>T, p.Cys359Phe (NM_001142649.2); c.1037G>T, p.Cys346Phe (NM_001410963.1); c.1034G>T, p.Cys345Phe (NM_001410964.1); short protein forms C345F, C346F, C359F, C360F.
Identifiers: ClinVar variation 3040316 (VCV003040316.2), dbSNP rs2494259473, ClinGen allele CA379921088.

ClinVar aggregate classification (germline): Uncertain significance (0 of 4 stars; one submission).

Conditions:
ANO5-related disorder. Also called: ANO5-related disorders; ANO5-related condition. Identifiers: MedGen CN239193.

Submission:

PreventionGenetics, part of Exact Sciences
Classification: Uncertain significance for ANO5-related condition. Last evaluated: 2023-12-12. Review status: no assertion criteria provided. Collection method: clinical testing. Allele origin: germline.
Comment: The ANO5 c.1079G>T variant is predicted to result in the amino acid substitution p.Cys360Phe. To our knowledge, this variant has not been reported in the literature or in a large population database, indicating this variant is rare. Other amino acid substitutions at this position (p.Cys360Tyr, p.Cys360Arg) have been reported to segregate in families with autosomal dominant gnathodiaphyseal dysplasia (Family 2 in Jin et al 2017. PubMed ID: 28176803; Yassaee et al 2022. PubMed ID: 35758145). Although we suspect that this variant may be pathogenic, at this time, the clinical significance of this variant is uncertain due to the absence of conclusive functional and genetic evidence.